The following is an entry in ClinVar:

GRCh37/hg19 5p15.33-15.1(chr5:113576-15822225)x1

Genes: ADAMTS16 (ADAM metallopeptidase with thrombospondin type 1 motif 16; plus strand), ADCY2 (adenylate cyclase 2; plus strand), AHRR (aryl hydrocarbon receptor repressor; plus strand), ANKH (ANKH inorganic pyrophosphate transport regulator; minus strand), ANKRD33B (ankyrin repeat domain 33B; plus strand) and 53 more. Cytogenetic location: 5p15.33-15.1.
Variant type: copy number loss.
Change: copy number 1 (one copy instead of two) of chr5:113,576-15,822,225 (15.71 Mb, GRCh37 coordinates, 1-based), cytogenetic band 5p15.33-15.1.
Identifiers: ClinVar variation 563025 (VCV000563025.2).

ClinVar aggregate classification (germline): Pathogenic (0 of 4 stars; one submission).

Submission:

Quest Diagnostics Nichols Institute San Juan Capistrano
Classification: Pathogenic. Last evaluated: 2021-05-01. Review status: no assertion criteria provided. Collection method: clinical testing. Allele origin: germline.
Comment: The deletion of 5p15.33p14.2 is expected to cause phenotypic and/or developmental abnormalities. It involves numerous genes and lies within the region associated with Cri-du-chat syndrome (OMIM #123450), a well-described partial aneusomy resulting from deletion of the short arm of chromosome 5. The main clinical features include a distinctive cry resembling the mewing of a cat, characteristic facial features, slow growth, and microcephaly. However, there is a high degree of phenotypic variability associated with this syndrome, which is mainly attributed to the size of the deletion (ranging from 5 to 40 Mb) and gene content of the monosomic region. The deletion of multiple genes is likely responsible for the phenotype, including deleted TERT and CTNND2 genes, both of which are encompassed by this large copy number loss (Zhang, et al., Am J Med Genet A. 2016 Mar;170(3):583-93 PMID: 26601658; Sardina et al. Am J Med Genet A. 2014 Jul;164A(7):1761-4. PMID: 24677774; Medina et al. Genomics. 2000 Jan 15;63(2):157-64. PMID: 10673328). For a current review